The following is an entry in ClinVar:

NM_000226.4(KRT9):c.351T>C (p.Gly117=)

Gene: KRT9 (keratin 9; minus strand). Cytogenetic location: 17q21.2.
Variant type: single nucleotide variant.
Coding change: c.351T>C on transcript NM_000226.4 (MANE Select); coding-DNA position 351, T replaced by C.
Protein change: p.Gly117=; no amino-acid change (glycine 117 retained).
Molecular consequence: synonymous variant.
Genome position (GRCh38, 1-based): chr17:41,571,642, A>G on the plus strand (T>C on the coding strand, the complement: KRT9 is on the minus strand). VCF-style: chr17-41571642-A-G. GRCh37 (hg19) VCF-style: chr17-39727894-A-G.
Identifiers: ClinVar variation 323137 (VCV000323137.21), dbSNP rs115965791, ClinGen allele CA8562258.

ClinVar aggregate classification (germline): Benign/Likely benign. Review status: criteria provided, multiple submitters, no conflicts (2 of 4 stars). 4 submissions from 4 submitters: Benign (2); Likely benign (2). Last evaluated 2026-03-01.

Conditions:
Palmoplantar keratoderma, epidermolytic. Also called: Localized epidermolytic hyperkeratosis. Identifiers: MedGen C1721006, MONDO:0968949, HP:0007559.

Allele frequency attached by ClinVar (database versions not stated): 1000 Genomes Project 0.00559; ExAC 0.00581; gnomAD exomes 0.00747 and 0.00553; TOPMed 0.00425; gnomAD 0.00458 and 0.00485; ESP Exome Variant Server 0.00470; 1000 Genomes Project 30x 0.00531.
gnomAD v4.1: 11,540 of 1,603,774 alleles (0.72%); highest among the groups gnomAD compares: South Asian, 1.4%; 58 homozygotes.

Submissions (4):

CeGaT Center for Human Genetics Tuebingen
Classification: Benign. Last evaluated: 2026-03-01. Review status: criteria provided, single submitter. Criteria: CeGaT Center For Human Genetics Tuebingen Variant Classification Criteria Version 2. Collection method: clinical testing. Allele origin: germline. Affected: yes. Observed: 2 variant alleles.
Comment: KRT9: BP4, BP7, BS1, BS2

Labcorp Genetics (formerly Invitae), Labcorp
Classification: Benign. Last evaluated: 2025-11-10. Review status: criteria provided, single submitter. Criteria: Invitae Variant Classification Sherloc (09022015). Collection method: clinical testing. Allele origin: germline.

Illumina Laboratory Services, Illumina
Classification: Likely benign for Epidermolytic palmoplantar keratoderma, 1. Last evaluated: 2018-01-13. Review status: criteria provided, single submitter. Criteria: ICSL Variant Classification Criteria 13 December 2019. Collection method: clinical testing. Allele origin: germline.
Comment: This variant was observed in the ICSL laboratory as part of a predisposition screen in an ostensibly healthy population. It had not been previously curated by ICSL or reported in the Human Gene Mutation Database (HGMD: prior to June 1st, 2018), and was therefore a candidate for classification through an automated scoring system. Utilizing variant allele frequency, disease prevalence and penetrance estimates, and inheritance mode, an automated score was calculated to assess if this variant is too frequent to cause the disease. Based on the score and internal cut-off values, a variant classified as likely benign is not then subjected to further curation. The score for this variant resulted in a classification of likely benign for this disease.

Breakthrough Genomics
Classification: Likely benign. Review status: criteria provided, single submitter. Criteria: ACMG Guidelines, 2015. Collection method: not provided. Allele origin: germline. Inheritance: Autosomal dominant inheritance. Affected: yes.